The following is an entry in ClinVar:

NM_001184880.2(PCDH19):c.2566C>T (p.Gln856Ter)

Genes: PCDH19 (protocadherin 19; minus strand), LOC125467768 (CDK7 strongly-dependent group 2 enhancer GRCh37_chrX:99657381-99658580; plus strand). Cytogenetic location: Xq22.1.
Variant type: single nucleotide variant.
Coding change: c.2566C>T on transcript NM_001184880.2 (MANE Select); coding-DNA position 2566, C replaced by T.
Protein change: p.Gln856Ter; replaces glutamine 856 with a stop codon.
Molecular consequence: nonsense.
Genome position (GRCh38, 1-based): chrX:100,402,574, G>A on the plus strand (C>T on the coding strand, the complement: PCDH19 is on the minus strand). VCF-style: chrX-100402574-G-A. GRCh37 (hg19) VCF-style: chrX-99657572-G-A.
Other names: c.2425C>T, p.Gln809Ter (NM_001105243.2, NM_020766.3); short protein forms Q809*, Q856*.
Identifiers: ClinVar variation 1810254 (VCV001810254.2), dbSNP rs1398320925, ClinGen allele CA414005408.

ClinVar aggregate classification (germline): Pathogenic (1 of 4 stars; one submission).

Conditions:
Developmental and epileptic encephalopathy, 9 (DEE9). Also called: Early infantile epileptic encephalopathy 9; EPILEPSY, FEMALE-RESTRICTED, WITH MENTAL RETARDATION; JUBERG-HELLMAN SYNDROME; PCDH19-Related X-Linked Female-Limited Epilepsy with Mental Retardation. Identifiers: Orphanet 101039, Orphanet 2076, MedGen C1848137, MONDO:0010246, OMIM 300088. Disease mechanism: loss of function.

Submission:

Dubai Health Genomic Medicine Center, Dubai Health
Classification: Pathogenic for Developmental and epileptic encephalopathy 9. Last evaluated: 2024-10-04. Review status: criteria provided, single submitter. Criteria: ACMG Guidelines, 2015. Collection method: research. Allele origin: germline. Affected: yes.
Comment: PVS1, PM2, PP4